The following is an entry in ClinVar:

ClinVar aggregate classification (germline): Likely benign (1 of 4 stars; one submission).

Submission:

GeneDx
Classification: Likely benign. Last evaluated: 2015-11-17. Review status: criteria provided, single submitter. Criteria: GeneDx Variant Classification (06012015). Collection method: clinical testing. Allele origin: germline. Affected: yes.
Comment: This variant is considered likely benign or benign based on one or more of the following criteria: it is a conservative change, it occurs at a poorly conserved position in the protein, it is predicted to be benign by multiple in silico algorithms, and/or has population frequency not consistent with disease.

NM_001184880.2(PCDH19):c.2147+16C>T

Gene: PCDH19 (protocadherin 19; minus strand). Cytogenetic location: Xq22.1.
Variant type: single nucleotide variant.
Coding change: c.2147+16C>T on transcript NM_001184880.2 (MANE Select); 16 bases into the intron after coding-DNA position 2147, C replaced by T.
Molecular consequence: intron variant.
Genome position (GRCh38, 1-based): chrX:100,406,435, G>A on the plus strand (C>T on the coding strand, the complement: PCDH19 is on the minus strand). VCF-style: chrX-100406435-G-A. GRCh37 (hg19) VCF-style: chrX-99661433-G-A.
Other names: c.2147+16C>T (NM_020766.3, NM_001105243.2).
Identifiers: ClinVar variation 381734 (VCV000381734.1), dbSNP rs1057521156, ClinGen allele CA16608685.
Genomic context (GRCh38, chrX:100,406,435, plus strand): 5'-CACCAGGATTTTCACACAGAGACACAGATAAACACACCTTATTCATCCAAGACAAAGAAA[G>A]AAAACTTGGCTTTACCTGCAGTTGTAGGTCCGGATCTCTTTGTTGTCTCGCTTGCACTTG-3'